The following is an entry in ClinVar:

NM_001013838.3(CARMIL2):c.661T>C (p.Cys221Arg)

Gene: CARMIL2 (capping protein regulator and myosin 1 linker 2; plus strand). Cytogenetic location: 16q22.1.
Variant type: single nucleotide variant.
Coding change: c.661T>C on transcript NM_001013838.3 (MANE Select); coding-DNA position 661, T replaced by C.
Protein change: p.Cys221Arg; replaces cysteine 221 with arginine.
Molecular consequence: missense variant.
Genome position (GRCh38, 1-based): chr16:67,647,165, T>C. VCF-style: chr16-67647165-T-C. GRCh37 (hg19) VCF-style: chr16-67681068-T-C.
Other names: c.661T>C, p.Cys221Arg (NM_001317026.3); short protein forms C221R.
Identifiers: ClinVar variation 2114421 (VCV002114421.4), dbSNP rs2543538287, ClinGen allele CA396332318.

ClinVar aggregate classification (germline): Uncertain significance (1 of 4 stars; one submission).

Submission:

Labcorp Genetics (formerly Invitae), Labcorp
Classification: Uncertain significance. Last evaluated: 2022-03-27. Review status: criteria provided, single submitter. Criteria: Invitae Variant Classification Sherloc (09022015). Collection method: clinical testing. Allele origin: germline.
Comment: In summary, the available evidence is currently insufficient to determine the role of this variant in disease. Therefore, it has been classified as a Variant of Uncertain Significance. Algorithms developed to predict the effect of missense changes on protein structure and function output the following: SIFT: "Tolerated"; PolyPhen-2: "Benign"; Align-GVGD: "Class C0". The arginine amino acid residue is found in multiple mammalian species, which suggests that this missense change does not adversely affect protein function. This variant has not been reported in the literature in individuals affected with CARMIL2-related conditions. This variant is not present in population databases (gnomAD no frequency). This sequence change replaces cysteine, which is neutral and slightly polar, with arginine, which is basic and polar, at codon 221 of the CARMIL2 protein (p.Cys221Arg).